The following is an entry in ClinVar:

ClinVar aggregate classification (germline): Uncertain significance (1 of 4 stars; one submission).

Conditions:
Nemaline myopathy 2 (NEM2). Also called: Nemaline myopathy 2, autosomal recessive. Identifiers: MedGen C1850569, MONDO:0009725, OMIM 256030.

gnomAD v4.1: 1 of 1,608,660 alleles (0.000062%); highest among the groups gnomAD compares: Non-Finnish European, 0.000085%; no homozygotes.

Submission:

Myriad Genetics, Inc.
Classification: Uncertain significance for Nemaline myopathy 2. Last evaluated: 2025-10-30. Review status: criteria provided, single submitter. Criteria: Myriad Autosomal Dominant, Autosomal Recessive and X-Linked Classification Criteria (2023). Collection method: clinical testing. Allele origin: unknown.
Comment: NM_001271208.1(NEB):c.20998-2A>T is a variant in a canonical splice site classified as a variant of uncertain significance in the context of NEB-related nemaline myopathy. c.20998-2A>T has not been observed in cases with relevant disease. Relevant functional assessments of this variant are not available in the literature. c.20998-2A>T has not been observed in referenced population frequency databases. In summary, there is insufficient evidence to classify NM_001271208.1(NEB):c.20998-2A>T as pathogenic or benign. Please note: this variant was assessed in the context of healthy population screening.

NM_001164508.2(NEB):c.20998-2A>T

Gene: NEB (nebulin; minus strand). Cytogenetic location: 2q23.3.
Variant type: single nucleotide variant.
Coding change: c.20998-2A>T on transcript NM_001164508.2 (MANE Select); the canonical splice acceptor site of the intron before coding-DNA position 20998, A replaced by T.
Molecular consequence: splice acceptor variant.
Genome position (GRCh38, 1-based): chr2:151,537,978, T>A on the plus strand (A>T on the coding strand, the complement: NEB is on the minus strand). VCF-style: chr2-151537978-T-A. GRCh37 (hg19) VCF-style: chr2-152394492-T-A.
Other names: c.15895-2A>T (NM_004543.5); c.20998-2A>T (NM_001164507.2, NM_001271208.2).
Identifiers: ClinVar variation 5003577 (VCV005003577.1).